The following continues an entry in ClinVar:

NM_007294.4(BRCA1):c.5306A>G (p.Tyr1769Cys)

Gene: BRCA1. ClinVar aggregate classification (germline): Conflicting classifications of pathogenicity. Uncertain significance (6); Likely benign (7).

Submissions 16 to 17 of 17:

Brotman Baty Institute, University of Washington
No classification provided (evidence only). Condition: Breast-ovarian cancer, familial 1. Review status: no classification provided. Collection method: in vitro. Allele origin: not applicable. Functional consequence: function_uncertain_variant. Not counted in ClinVar's aggregate classification.
ClinVar note: "not provided" was previously submitted as the classification for the variant. However, the classification appeared to be based only on an observation of functional data so it was converted to no classification on 2025-07-30.

Department of Pathology and Laboratory Medicine, Sinai Health System
Classification: Likely benign for Malignant tumor of breast. Review status: no assertion criteria provided. Collection method: clinical testing. Allele origin: unknown. Affected: yes. Observed: 1 variant allele. Study: The Canadian Open Genetics Repository (COGR). Not counted in ClinVar's aggregate classification.
Comment: The p.Tyr1769Cys variant was identified in 1 of 2690 proband chromosomes (frequency: 0.0004) from individuals or families with hereditary breast and ovarian cancer and was present in 1 of 1362 control chromosomes (frequency: 0.001) from healthy individuals (Akbari 2011, Bodian 2014). The low number of observations of this variant is not substantive enough to draw a conclusion about clinical signifcance. The variant was not identified in GeneInsight, HGMD, UMD, COSMIC, BIC, Google or LOVD database searches. The variant was identified in the ClinVar database 2X with the clinical significance not provided. The p.Tyr1769 residue is not conserved in mammals and the variant amino acid Cysteine (Cys) is present in the mouse and chicken increasing the likelihood that this variant does not have clinical significance. Four out of five computational analyses (PolyPhen-2, SIFT, AlignGVGD, BLOSUM, MutationTaster) do not suggest a high likelihood of impact to the protein, although this information is not very predictive of pathogenicity. In summary, based on the above information, the clinical significance of this variant cannot be determined with certainty at this time, althouch we lean towards a more benign role for this variant. This variant is classified as predicted benign.

Literature cited by the submitters: PubMed 21965345 (cited by Women's Health and Genetics/Laboratory Corporation of America, LabCorp and Counsyl); PubMed 24728327 (cited by 5 submitters); PubMed 22752604 (cited by 4 submitters); PubMed 30209399 (cited by 3 submitters); PubMed 30725392 (cited by Women's Health and Genetics/Laboratory Corporation of America, LabCorp); PubMed 32812259 (cited by Women's Health and Genetics/Laboratory Corporation of America, LabCorp); PubMed 34063308 (cited by Women's Health and Genetics/Laboratory Corporation of America, LabCorp); PubMed 31907386 (cited by Women's Health and Genetics/Laboratory Corporation of America, LabCorp and Quest Diagnostics Nichols Institute San Juan Capistrano); PubMed 34981296 (cited by Women's Health and Genetics/Laboratory Corporation of America, LabCorp); PubMed 37731132 (cited by Women's Health and Genetics/Laboratory Corporation of America, LabCorp); PubMed 29470806 (cited by Quest Diagnostics Nichols Institute San Juan Capistrano); PubMed 30287823 (cited by Quest Diagnostics Nichols Institute San Juan Capistrano and Ambry Genetics); PubMed 32906206 (cited by Quest Diagnostics Nichols Institute San Juan Capistrano); PubMed 33471991 (cited by Quest Diagnostics Nichols Institute San Juan Capistrano); PubMed 32803532 (cited by Quest Diagnostics Nichols Institute San Juan Capistrano); PubMed 25186627 (cited by Counsyl).